The following is an entry in ClinVar:

NM_030665.4(RAI1):c.1085C>G (p.Pro362Arg)

Gene: RAI1 (retinoic acid induced 1; plus strand). Cytogenetic location: 17p11.2.
Variant type: single nucleotide variant.
Coding change: c.1085C>G on transcript NM_030665.4 (MANE Select); coding-DNA position 1085, C replaced by G.
Protein change: p.Pro362Arg; replaces proline 362 with arginine.
Molecular consequence: missense variant.
Genome position (GRCh38, 1-based): chr17:17,794,033, C>G. VCF-style: chr17-17794033-C-G. GRCh37 (hg19) VCF-style: chr17-17697347-C-G.
Other names: short protein forms P362R.
Identifiers: ClinVar variation 2571893 (VCV002571893.1), dbSNP rs775900973, ClinGen allele CA398546856.
Genomic context (GRCh38, chr17:17,794,033, plus strand): 5'-CCAGCCACTCACCCGCCCGCTCCGTGGGCCGCTCACCTTCCTACAGTTCCACACCGTCGC[C>G]GCTGATGCCAAACCTGGAGAACTTTCCCTACAGCCAGCAGCCGCTCAGCACCGGGGCCTT-3'
Protein context (NP_109590.3, residues 352-372): RSPSYSSTPS[Pro362Arg]LMPNLENFPY

ClinVar aggregate classification (germline): Uncertain significance (1 of 4 stars; one submission).

Submission:

GeneDx
Classification: Uncertain significance. Last evaluated: 2023-01-06. Review status: criteria provided, single submitter. Criteria: GeneDx Variant Classification Process June 2021. Collection method: clinical testing. Allele origin: germline. Affected: yes.
Comment: Not observed at significant frequency in large population cohorts (gnomAD); In silico analysis supports that this missense variant has a deleterious effect on protein structure/function; Has not been previously published as pathogenic or benign to our knowledge